The following is an entry in ClinVar:

NM_003482.4(KMT2D):c.14785C>T (p.Pro4929Ser)

Gene: KMT2D (lysine methyltransferase 2D; minus strand). Cytogenetic location: 12q13.12.
Variant type: single nucleotide variant.
Coding change: c.14785C>T on transcript NM_003482.4 (MANE Select); coding-DNA position 14785, C replaced by T.
Protein change: p.Pro4929Ser; replaces proline 4929 with serine.
Molecular consequence: missense variant.
Genome position (GRCh38, 1-based): chr12:49,027,181, G>A on the plus strand (C>T on the coding strand, the complement: KMT2D is on the minus strand). VCF-style: chr12-49027181-G-A. GRCh37 (hg19) VCF-style: chr12-49420964-G-A.
Other names: short protein forms P4929S.
Identifiers: ClinVar variation 2088451 (VCV002088451.4), dbSNP rs1942641944, ClinGen allele CA384691741.

ClinVar aggregate classification (germline): Uncertain significance (1 of 4 stars; one submission).

Conditions:
Kabuki syndrome. Also called: NIIKAWA-KUROKI SYNDROME; Kabuki make-up syndrome. Identifiers: Orphanet 2322, MedGen C0796004, MONDO:0016512.

Allele frequency attached by ClinVar (database versions not stated): gnomAD 0.00001.
gnomAD v4.1: 1 of 1,551,482 alleles (0.000064%); highest among the groups gnomAD compares: African/African-American, 0.0014%; no homozygotes.

Submission:

Labcorp Genetics (formerly Invitae), Labcorp
Classification: Uncertain significance for Kabuki syndrome. Last evaluated: 2024-02-24. Review status: criteria provided, single submitter. Criteria: Invitae Variant Classification Sherloc (09022015). Collection method: clinical testing. Allele origin: germline.
Comment: This sequence change replaces proline, which is neutral and non-polar, with serine, which is neutral and polar, at codon 4929 of the KMT2D protein (p.Pro4929Ser). This variant is not present in population databases (gnomAD no frequency). This variant has not been reported in the literature in individuals affected with KMT2D-related conditions. ClinVar contains an entry for this variant (Variation ID: 2088451). Advanced modeling of protein sequence and biophysical properties (such as structural, functional, and spatial information, amino acid conservation, physicochemical variation, residue mobility, and thermodynamic stability) performed at Invitae indicates that this missense variant is not expected to disrupt KMT2D protein function with a negative predictive value of 95%. In summary, the available evidence is currently insufficient to determine the role of this variant in disease. Therefore, it has been classified as a Variant of Uncertain Significance.